The following is an entry in ClinVar:

NM_001953.5(TYMP):c.895C>A (p.Pro299Thr)

Genes: TYMP (thymidine phosphorylase; minus strand), LOC130067862 (ATAC-STARR-seq lymphoblastoid silent region 13986; plus strand). Cytogenetic location: 22q13.33.
Variant type: single nucleotide variant.
Coding change: c.895C>A on transcript NM_001953.5 (MANE Select); coding-DNA position 895, C replaced by A.
Protein change: p.Pro299Thr; replaces proline 299 with threonine.
Molecular consequence: missense variant.
Genome position (GRCh38, 1-based): chr22:50,526,609, G>T on the plus strand (C>A on the coding strand, the complement: TYMP is on the minus strand). VCF-style: chr22-50526609-G-T. GRCh37 (hg19) VCF-style: chr22-50965038-G-T.
Other names: c.895C>A, p.Pro299Thr (LRG_727t1, LRG_727t2, NM_001113755.3 and 3 more transcripts); short protein forms P299T.
Identifiers: ClinVar variation 215337 (VCV000215337.4), dbSNP rs863224252, ClinGen allele CA321485.

ClinVar aggregate classification (germline): Conflicting classifications of pathogenicity. Review status: criteria provided, conflicting classifications (1 of 4 stars). 3 submissions from 3 submitters: Likely pathogenic (1); Uncertain significance (2). Last evaluated 2026-03-19.

Conditions:
Mitochondrial DNA depletion syndrome 1. Also called: Mitochondrial Neurogastrointestinal Encephalopathy Disease; MITOCHONDRIAL NEUROGASTROINTESTINAL ENCEPHALOPATHY SYNDROME, TYMP-RELATED; MNGIE, TYMP-RELATED; Mitochondrial DNA Depletion Syndrome, MNGIE Form; Mitochondrial DNA depletion syndrome 1 (MNGIE type); Mitochondrial neurogastrointestinal encephalomyopathy syndrome. Identifiers: Orphanet 298, MedGen C4551995, MONDO:0011283, OMIM 603041.

Submissions (3):

Myriad Genetics, Inc.
Classification: Uncertain significance for Mitochondrial DNA depletion syndrome 1. Last evaluated: 2026-03-19. Review status: criteria provided, single submitter. Criteria: Myriad Autosomal Dominant, Autosomal Recessive and X-Linked Classification Criteria (2023). Collection method: clinical testing. Allele origin: unknown.
Comment: NM_001953.4(TYMP):c.895C>A(P299T) is a missense variant classified as a variant of uncertain significance in the context of mitochondrial neurogastrointestinal encephalopathy disease. P299T has not been observed in cases with relevant disease. Relevant functional assessments of this variant are not available in the literature. P299T has not been observed in referenced population frequency databases. In summary, there is insufficient evidence to classify NM_001953.4(TYMP):c.895C>A(P299T) as pathogenic or benign. Please note: this variant was assessed in the context of healthy population screening.

Women's Health and Genetics/Laboratory Corporation of America, LabCorp
Classification: Uncertain significance. Last evaluated: 2024-07-29. Review status: criteria provided, single submitter. Criteria: LabCorp Variant Classification Summary - May 2015. Collection method: clinical testing. Allele origin: germline.

GeneDx
Classification: Likely pathogenic. Last evaluated: 2014-08-08. Review status: criteria provided, single submitter. Criteria: GeneDx Variant Classification (06012015). Collection method: clinical testing. Allele origin: germline. Affected: yes.
Comment: p.Pro299Thr (CCG>ACG): c.895 C>A in exon 7 of the TYMP gene (NM_001953.3) The P299T variant in the TYMP gene is likely pathogenic. It has not been published as a mutation, nor has it been reported as a benign polymorphism to our knowledge. Mutations in the TYMP gene are associated with autosomal recessive mitochondrial DNA depletion syndrome 1 (MNGIE type). The P299T variant is a non-conservative amino acid substitution, which is likely to impact secondary protein structure as these residues differ in polarity, charge, size and/or other properties. This substitution occurs at a position that is conserved across species. In silico analysis predicts this variant is probably damaging to the protein structure/function. Missense mutations in nearby residues (E289K, E289A, G298D) have been reported in association with mitochondrial neurogastrointestinal encephalomyopathy (MNGIE), supporting the functional importance of this region of the protein. Therefore, this variant is a strong candidate for a pathogenic mutation, however the possibility that it is a benign variant cannot be excluded. The variant is found in LAPDH-MITOP panel(s).